The following is an entry in ClinVar:

ClinVar aggregate classification (germline): Uncertain significance (1 of 4 stars; one submission).

Conditions:
Neurodevelopmental disorder with central hypotonia and dysmorphic facies (NEDCHF). Identifiers: MedGen C5676944, MONDO:0859232, OMIM 619797.

gnomAD v4.1: 3 of 1,614,206 alleles (0.00019%); highest among the groups gnomAD compares: Non-Finnish European, 0.00025%; no homozygotes.

Submission:

Dasa
Classification: Uncertain significance for Neurodevelopmental disorder with central hypotonia and dysmorphic facies. Last evaluated: 2025-04-06. Review status: criteria provided, single submitter. Criteria: DASA Assertion Criteria. Collection method: clinical testing. Allele origin: germline.
Comment: NM_001378414.1(HDAC4):c.809G>T (p.Arg270Leu) is a missense variant that results in the substitution of arginine with leucine. This variant is rare in population databases. The currently available literature and clinical evidence are not sufficient to establish a definitive association between this variant and the reported condition. Therefore, this variant is classified as a variant of uncertain significance.

NM_001378414.1(HDAC4):c.809G>T (p.Arg270Leu)

Gene: HDAC4 (histone deacetylase 4; minus strand). Cytogenetic location: 2q37.3.
Variant type: single nucleotide variant.
Coding change: c.809G>T on transcript NM_001378414.1 (MANE Select); coding-DNA position 809, G replaced by T.
Protein change: p.Arg270Leu; replaces arginine 270 with leucine.
Molecular consequence: missense variant.
Genome position (GRCh38, 1-based): chr2:239,144,639, C>A on the plus strand (G>T on the coding strand, the complement: HDAC4 is on the minus strand). VCF-style: chr2-239144639-C-A. GRCh37 (hg19) VCF-style: chr2-240066335-C-A.
Other names: c.809G>T, p.Arg270Leu (NM_001378415.1, NM_001378416.1, NM_001378417.1 and 1 more transcripts); c.728G>T, p.Arg243Leu (NM_001435991.1, NM_001435992.1, NM_001435994.1 and 1 more transcripts); c.665G>T, p.Arg222Leu (NM_001435993.1); c.794G>T, p.Arg265Leu (NM_001435996.1); short protein forms R222L, R243L, R265L, R270L.
Identifiers: ClinVar variation 4881920 (VCV004881920.2).